The following is an entry in ClinVar:

NM_001165963.4(SCN1A):c.693A>T (p.Pro231=)

Gene: SCN1A (sodium voltage-gated channel alpha subunit 1; minus strand). Cytogenetic location: 2q24.3.
Variant type: single nucleotide variant.
Coding change: c.693A>T on transcript NM_001165963.4 (MANE Select); coding-DNA position 693, A replaced by T.
Protein change: p.Pro231=; no amino-acid change (proline 231 retained).
Molecular consequence: synonymous variant. On other transcripts: 5 prime UTR variant (1), non-coding transcript variant (1).
Genome position (GRCh38, 1-based): chr2:166,052,853, T>A on the plus strand (A>T on the coding strand, the complement: SCN1A is on the minus strand). VCF-style: chr2-166052853-T-A. GRCh37 (hg19) VCF-style: chr2-166909363-T-A.
Other names: c.693A>T, p.Pro231= (NM_001165964.3, NM_001202435.3, NM_001353948.2 and 10 more transcripts); c.-1733A>T (NM_001353961.2).
Identifiers: ClinVar variation 2203201 (VCV002203201.4), dbSNP rs2468232495, ClinGen allele CA429903365.

ClinVar aggregate classification (germline): Pathogenic (1 of 4 stars; one submission).

Conditions:
Early-infantile DEE. Also called: Early infantile epileptic encephalopathy with suppression bursts; Early infantile epileptic encephalopathy; Ohtahara syndrome. Identifiers: Orphanet 1934, MedGen C0393706, MONDO:0800491.

Submission:

Labcorp Genetics (formerly Invitae), Labcorp
Classification: Pathogenic for Early-infantile DEE. Last evaluated: 2022-06-15. Review status: criteria provided, single submitter. Criteria: Invitae Variant Classification Sherloc (09022015). Collection method: clinical testing. Allele origin: germline.
Comment: For these reasons, this variant has been classified as Pathogenic. Algorithms developed to predict the effect of sequence changes on RNA splicing suggest that this variant may create or strengthen a splice site. This variant has been observed in individual(s) with SCN1A-related conditions (PMID: 22612257; Invitae). In at least one individual the variant was observed to be de novo. This variant is not present in population databases (gnomAD no frequency). This sequence change affects codon 231 of the SCN1A mRNA. It is a 'silent' change, meaning that it does not change the encoded amino acid sequence of the SCN1A protein. It affects a nucleotide within the consensus splice site.

Literature cited by the submitters: PubMed 22612257.